The following is an entry in ClinVar:

ClinVar aggregate classification (germline): Pathogenic (1 of 4 stars; one submission).

Submission:

Labcorp Genetics (formerly Invitae), Labcorp
Classification: Pathogenic. Last evaluated: 2025-06-04. Review status: criteria provided, single submitter. Criteria: Invitae Variant Classification Sherloc (09022015). Collection method: clinical testing. Allele origin: germline.
Comment: This sequence change is expected to alter the c-terminus of the KRT1 protein (p.Arg616Profs*38). While this is not anticipated to result in nonsense mediated decay, it is expected to disrupt the last 29 amino acid(s) of the KRT1 protein and extend the protein by 8 additional amino acid residues. This variant is not present in population databases (gnomAD no frequency). This frameshift has been observed in individual(s) with clinical features of KRT1-related conditions (internal data). In at least one individual the variant was observed to be de novo. This variant results in an extension of the KRT1 protein. Other variant(s) that result in a similarly extended protein product (p.Val623Cysfs*31) have been determined to be pathogenic (PMID: 25774499). This suggests that these extensions are likely to be disease-causing. For these reasons, this variant has been classified as Pathogenic.

Literature cited by the submitters: PubMed 25774499.

NM_006121.4(KRT1):c.1846dup (p.Arg616fs)

Gene: KRT1 (keratin 1; minus strand). Cytogenetic location: 12q13.13.
Variant type: Duplication.
Coding change: c.1846dup on transcript NM_006121.4 (MANE Select); coding-DNA position 1846, one base duplicated (C; older notation c.1846dupC).
Protein change: p.Arg616fs; shifts the reading frame from arginine 616.
Molecular consequence: frameshift variant.
Genome position (GRCh38, 1-based): chr12:52,675,282, G duplicated on the plus strand (C on the coding strand, the reverse complement: KRT1 is on the minus strand); the first of 2 consecutive G bases (chr12:52,675,282-52,675,283); duplicating either gives the same sequence. VCF-style (leftmost placement, unchanged base first): chr12-52675281-C-CG. GRCh37 (hg19) VCF-style: chr12-53069065-C-CG.
Other names: short protein forms R616fs.
Identifiers: ClinVar variation 4718755 (VCV004718755.1).